The following is an entry in ClinVar:

ClinVar aggregate classification (germline): Uncertain significance (1 of 4 stars; one submission).

Submission:

GeneDx
Classification: Uncertain significance. Last evaluated: 2026-01-29. Review status: criteria provided, single submitter. Criteria: GeneDx Variant Classification Process June 2021. Collection method: clinical testing. Allele origin: germline. Affected: yes.
Comment: Not observed at significant frequency in large population cohorts (gnomAD); In silico analysis supports that this missense variant has a deleterious effect on protein structure/function; Has not been previously published as pathogenic or benign to our knowledge

NM_014112.5(TRPS1):c.327C>G (p.Asn109Lys)

Gene: TRPS1 (transcriptional repressor GATA binding 1; minus strand). Cytogenetic location: 8q23.3.
Variant type: single nucleotide variant.
Coding change: c.327C>G on transcript NM_014112.5 (MANE Select); coding-DNA position 327, C replaced by G.
Protein change: p.Asn109Lys; replaces asparagine 109 with lysine.
Molecular consequence: missense variant.
Genome position (GRCh38, 1-based): chr8:115,619,771, G>C on the plus strand (C>G on the coding strand, the complement: TRPS1 is on the minus strand). VCF-style: chr8-115619771-G-C. GRCh37 (hg19) VCF-style: chr8-116631998-G-C.
Other names: c.300C>G, p.Asn100Lys (NM_001282902.3); c.306C>G, p.Asn102Lys (NM_001282903.3); c.288C>G, p.Asn96Lys (NM_001330599.2); short protein forms N102K, N100K, N109K, N96K.
Identifiers: ClinVar variation 2136041 (VCV002136041.2), dbSNP rs2536915497, ClinGen allele CA372069867.